The following is an entry in ClinVar:

NM_005475.3(SH2B3):c.1660G>C (p.Asp554His)

Gene: SH2B3 (SH2B adaptor protein 3; plus strand). Cytogenetic location: 12q24.12.
Variant type: single nucleotide variant.
Coding change: c.1660G>C on transcript NM_005475.3 (MANE Select); coding-DNA position 1660, G replaced by C.
Protein change: p.Asp554His; replaces aspartic acid 554 with histidine.
Molecular consequence: missense variant.
Genome position (GRCh38, 1-based): chr12:111,448,234, G>C. VCF-style: chr12-111448234-G-C. GRCh37 (hg19) VCF-style: chr12-111886038-G-C.
Other names: c.1054G>C, p.Asp352His (NM_001291424.1); short protein forms D352H, D554H.
Identifiers: ClinVar variation 4630750 (VCV004630750.1).
Genomic context (GRCh38, chr12:111,448,234, plus strand): 5'-GAACTGGCCAACAGCCTGCAGCACCTGGAGCATGAGCCTGTGAATCGAGCCCGGGACTCG[G>C]ACTACGAAATGGACTCATCCTCCCGGAGCCACCTGCGGGCCATAGACAATCAGTACACAC-3'
Protein context (NP_005466.1, residues 544-564): HEPVNRARDS[Asp554His]YEMDSSSRSH

ClinVar aggregate classification (germline): Uncertain significance (1 of 4 stars; one submission).

Conditions:
Inborn genetic diseases. Identifiers: MedGen C0950123, MeSH D030342.

Submission:

Ambry Genetics
Classification: Uncertain significance for Inborn genetic diseases. Last evaluated: 2025-11-11. Review status: criteria provided, single submitter. Criteria: Ambry Variant Classification Scheme 2023. Collection method: clinical testing. Allele origin: germline.
Comment: The p.D554H variant (also known as c.1660G>C), located in coding exon 7 of the SH2B3 gene, results from a G to C substitution at nucleotide position 1660. The aspartic acid at codon 554 is replaced by histidine, an amino acid with similar properties. This amino acid position is conserved. In addition, the in silico prediction for this alteration is inconclusive. Based on the available evidence, the clinical significance of this variant remains unclear.